The following is an entry in ClinVar:

ClinVar aggregate classification (germline): Uncertain significance (1 of 4 stars; one submission).

Conditions:
Alstrom syndrome (ALMS). Identifiers: Orphanet 64, MedGen C0268425, MONDO:0008763, OMIM 203800.

Submission:

Labcorp Genetics (formerly Invitae), Labcorp
Classification: Uncertain significance for Alstrom syndrome. Last evaluated: 2021-06-04. Review status: criteria provided, single submitter. Criteria: Invitae Variant Classification Sherloc (09022015). Collection method: clinical testing. Allele origin: germline.
Comment: This sequence change replaces leucine with serine at codon 55 of the ALMS1 protein (p.Leu55Ser). The leucine residue is weakly conserved and there is a large physicochemical difference between leucine and serine. This variant is not present in population databases (ExAC no frequency). In summary, the available evidence is currently insufficient to determine the role of this variant in disease. Therefore, it has been classified as a Variant of Uncertain Significance. Experimental studies and prediction algorithms are not available or were not evaluated, and the functional significance of this variant is currently unknown. This variant has not been reported in the literature in individuals with ALMS1-related conditions.

NM_001378454.1(ALMS1):c.161T>C (p.Leu54Ser)

Gene: ALMS1 (ALMS1 centrosome and basal body associated protein; plus strand). Cytogenetic location: 2p13.1.
Variant type: single nucleotide variant.
Coding change: c.161T>C on transcript NM_001378454.1 (MANE Select); coding-DNA position 161, T replaced by C.
Protein change: p.Leu54Ser; replaces leucine 54 with serine.
Molecular consequence: missense variant.
Genome position (GRCh38, 1-based): chr2:73,386,029, T>C. VCF-style: chr2-73386029-T-C. GRCh37 (hg19) VCF-style: chr2-73613157-T-C.
Other names: c.164T>C, p.Leu55Ser (NM_015120.4); short protein forms L54S, L55S.
Identifiers: ClinVar variation 1496263 (VCV001496263.6), dbSNP rs755760721, ClinGen allele CA347250730.